The following is an entry in ClinVar:

NM_001099403.2(PRDM8):c.865_876dup (p.Ser289_Gly292dup)

Gene: PRDM8 (PR/SET domain 8; plus strand). Cytogenetic location: 4q21.21.
Variant type: Duplication.
Coding change: c.865_876dup on transcript NM_001099403.2 (MANE Select); coding-DNA positions 865 to 876, 12 bases duplicated (AGCGGCGGCGGC).
Protein change: p.Ser289_Gly292dup.
Molecular consequence: inframe insertion.
Genome position (GRCh38, 1-based): chr4:80,202,327-80,202,338, AGCGGCGGCGGC duplicated; duplicating any 12 consecutive bases within chr4:80,202,322-80,202,338 gives the same sequence; the c. name uses the placement nearest the transcript's 3' end. VCF-style (leftmost placement, unchanged base first): chr4-80202321-A-AGCGGCAGCGGCG. GRCh37 (hg19) VCF-style: chr4-81123475-A-AGCGGCAGCGGCG.
Other names: c.865_876dup, p.Ser289_Gly292dup (NM_020226.4).
Identifiers: ClinVar variation 1505618 (VCV001505618.6), dbSNP rs771118168, ClinGen allele CA2982340.

ClinVar aggregate classification (germline): Uncertain significance (1 of 4 stars; one submission).

Conditions:
Early-onset Lafora body disease. Also called: Epilepsy, progressive myoclonic, 10. Identifiers: Orphanet 324290, MedGen C4225258, MONDO:0014717, OMIM 616640.

Submission:

Labcorp Genetics (formerly Invitae), Labcorp
Classification: Uncertain significance for Early-onset Lafora body disease. Last evaluated: 2022-02-03. Review status: criteria provided, single submitter. Criteria: Invitae Variant Classification Sherloc (09022015). Collection method: clinical testing. Allele origin: germline.
Comment: This variant has not been reported in the literature in individuals affected with PRDM8-related conditions. This variant is not present in population databases (gnomAD no frequency). This variant, c.865_876dup, results in the insertion of 4 amino acid(s) of the PRDM8 protein (p.Ser289_Gly292dup), but otherwise preserves the integrity of the reading frame. Experimental studies and prediction algorithms are not available or were not evaluated, and the functional significance of this variant is currently unknown. In summary, the available evidence is currently insufficient to determine the role of this variant in disease. Therefore, it has been classified as a Variant of Uncertain Significance.